The following is an entry in ClinVar:

NM_001232.4(CASQ2):c.774T>C (p.Phe258=)

Gene: CASQ2 (calsequestrin 2; minus strand). Cytogenetic location: 1p13.1.
Variant type: single nucleotide variant.
Coding change: c.774T>C on transcript NM_001232.4 (MANE Select); coding-DNA position 774, T replaced by C.
Protein change: p.Phe258=; no amino-acid change (phenylalanine 258 retained).
Molecular consequence: synonymous variant.
Genome position (GRCh38, 1-based): chr1:115,725,517, A>G on the plus strand (T>C on the coding strand, the complement: CASQ2 is on the minus strand). VCF-style: chr1-115725517-A-G. GRCh37 (hg19) VCF-style: chr1-116268138-A-G.
Identifiers: ClinVar variation 392826 (VCV000392826.45), dbSNP rs181769947, ClinGen allele CA1023759.

ClinVar aggregate classification (germline): Benign/Likely benign. Review status: criteria provided, multiple submitters, no conflicts (2 of 4 stars). 8 submissions from 8 submitters: Benign (1); Likely benign (5). 2 of the submissions do not count toward it. Last evaluated 2026-08-01.

Conditions:
Catecholaminergic polymorphic ventricular tachycardia 2. Also called: CASQ2-Related Catecholaminergic Polymorphic Ventricular Tachycardia; VENTRICULAR TACHYCARDIA, STRESS-INDUCED POLYMORPHIC 2. Identifiers: Orphanet 3286, MedGen C2677794, MONDO:0012762, OMIM 611938.
Cardiovascular phenotype. Identifiers: MedGen CN230736.
Catecholaminergic polymorphic ventricular tachycardia 1. Also called: RYR2-Related Catecholaminergic Polymorphic Ventricular Tachycardia; VENTRICULAR TACHYCARDIA, STRESS-INDUCED POLYMORPHIC 1; VENTRICULAR TACHYCARDIA, CATECHOLAMINERGIC POLYMORPHIC, 1, WITH OR WITHOUT ATRIAL DYSFUNCTION AND/OR DILATED CARDIOMYOPATHY. Identifiers: Orphanet 3286, MedGen C1631597, MONDO:0011484, OMIM 604772.

Allele frequency attached by ClinVar (database versions not stated): gnomAD 0.00008 and 0.00010; gnomAD exomes 0.00009 and 0.00022; 1000 Genomes Project 30x 0.00016; 1000 Genomes Project 0.00020; ExAC 0.00031.
gnomAD v4.1: 155 of 1,607,516 alleles (0.0096%); highest among the groups gnomAD compares: East Asian, 0.18%; no homozygotes.

Submissions (8):

CeGaT Center for Human Genetics Tuebingen
Classification: Likely benign. Last evaluated: 2026-08-01. Review status: criteria provided, single submitter. Criteria: CeGaT Center For Human Genetics Tuebingen Variant Classification Criteria Version 2. Collection method: clinical testing. Allele origin: germline. Affected: yes. Observed: 4 variant alleles.
Comment: CASQ2: BP4, BP7

Labcorp Genetics (formerly Invitae), Labcorp
Classification: Benign for Catecholaminergic polymorphic ventricular tachycardia 1. Last evaluated: 2026-02-01. Review status: criteria provided, single submitter. Criteria: Invitae Variant Classification Sherloc (09022015). Collection method: clinical testing. Allele origin: germline.

Blueprint Genetics
Classification: Likely benign. Last evaluated: 2024-11-04. Review status: criteria provided, single submitter. Criteria: ACMG Guidelines, 2015. Collection method: clinical testing. Allele origin: germline.

Genome-Nilou Lab
Classification: Likely benign for Catecholaminergic polymorphic ventricular tachycardia 2. Last evaluated: 2023-04-11. Review status: criteria provided, single submitter. Criteria: ACMG Guidelines, 2015. Collection method: clinical testing. Allele origin: germline. Affected: no.

GeneDx
Classification: Likely benign. Last evaluated: 2020-11-25. Review status: criteria provided, single submitter. Criteria: GeneDx Variant Classification Process June 2021. Collection method: clinical testing. Allele origin: germline. Affected: yes.

Ambry Genetics
Classification: Likely benign for Cardiovascular phenotype. Last evaluated: 2019-06-17. Review status: criteria provided, single submitter. Criteria: Ambry Variant Classification Scheme 2023. Collection method: clinical testing. Allele origin: germline.

Clinical Genetics DNA and cytogenetics Diagnostics Lab, Erasmus MC, Erasmus Medical Center
Classification: Likely benign. Review status: no assertion criteria provided. Collection method: clinical testing. Allele origin: germline. Affected: yes. Study: VKGL Data-share Consensus. Not counted in ClinVar's aggregate classification.

Genome Diagnostics Laboratory, University Medical Center Utrecht
Classification: Likely benign. Review status: no assertion criteria provided. Collection method: clinical testing. Allele origin: germline. Affected: yes. Study: VKGL Data-share Consensus. Not counted in ClinVar's aggregate classification.